The following is an entry in ClinVar:

NM_019032.6(ADAMTSL4):c.1970C>T (p.Pro657Leu)

Genes: ADAMTSL4 (ADAMTS like 4; plus strand), ADAMTSL4-AS2 (ADAMTSL4 antisense RNA 2; minus strand). Cytogenetic location: 1q21.2.
Variant type: single nucleotide variant.
Coding change: c.1970C>T on transcript NM_019032.6 (MANE Select); coding-DNA position 1970, C replaced by T.
Protein change: p.Pro657Leu; replaces proline 657 with leucine.
Molecular consequence: missense variant. On other transcripts: intron variant (1).
Genome position (GRCh38, 1-based): chr1:150,557,258, C>T. VCF-style: chr1-150557258-C-T. GRCh37 (hg19) VCF-style: chr1-150529734-C-T.
Other names: c.2039C>T, p.Pro680Leu (NM_001288608.2); c.1970C>T, p.Pro657Leu (NM_001378596.1, NM_025008.5); c.1857-4C>T (NM_001288607.2); short protein forms P680L, P657L.
Identifiers: ClinVar variation 2086185 (VCV002086185.4), dbSNP rs1672243210, ClinGen allele CA342313685.

ClinVar aggregate classification (germline): Uncertain significance (1 of 4 stars; one submission).

gnomAD v4.1: 1 of 1,611,778 alleles (0.000062%); no homozygotes.

Submission:

Labcorp Genetics (formerly Invitae), Labcorp
Classification: Uncertain significance. Last evaluated: 2024-02-17. Review status: criteria provided, single submitter. Criteria: Invitae Variant Classification Sherloc (09022015). Collection method: clinical testing. Allele origin: germline.
Comment: This sequence change replaces proline, which is neutral and non-polar, with leucine, which is neutral and non-polar, at codon 657 of the ADAMTSL4 protein (p.Pro657Leu). This variant is not present in population databases (gnomAD no frequency). This variant has not been reported in the literature in individuals affected with ADAMTSL4-related conditions. ClinVar contains an entry for this variant (Variation ID: 2086185). Advanced modeling of protein sequence and biophysical properties (such as structural, functional, and spatial information, amino acid conservation, physicochemical variation, residue mobility, and thermodynamic stability) performed at Invitae indicates that this missense variant is not expected to disrupt ADAMTSL4 protein function with a negative predictive value of 80%. In summary, the available evidence is currently insufficient to determine the role of this variant in disease. Therefore, it has been classified as a Variant of Uncertain Significance.